The following is an entry in ClinVar:

ClinVar aggregate classification (germline): Uncertain significance (1 of 4 stars; one submission).

Conditions:
Inborn genetic diseases. Identifiers: MedGen C0950123, MeSH D030342.

Submission:

Ambry Genetics
Classification: Uncertain significance for Inborn genetic diseases. Last evaluated: 2025-10-22. Review status: criteria provided, single submitter. Criteria: Ambry Variant Classification Scheme 2023. Collection method: clinical testing. Allele origin: germline.
Comment: The p.L538P variant (also known as c.1613T>C), located in coding exon 12 of the FANCG gene, results from a T to C substitution at nucleotide position 1613. The leucine at codon 538 is replaced by proline, an amino acid with similar properties. This amino acid position is conserved. In addition, the in silico prediction for this alteration is inconclusive. Based on the available evidence, the clinical significance of this variant remains unclear.

NM_004629.2(FANCG):c.1613T>C (p.Leu538Pro)

Gene: FANCG (FA complementation group G; minus strand). Cytogenetic location: 9p13.3.
Variant type: single nucleotide variant.
Coding change: c.1613T>C on transcript NM_004629.2 (MANE Select); coding-DNA position 1613, T replaced by C.
Protein change: p.Leu538Pro; replaces leucine 538 with proline.
Molecular consequence: missense variant.
Genome position (GRCh38, 1-based): chr9:35,074,950, A>G on the plus strand (T>C on the coding strand, the complement: FANCG is on the minus strand). VCF-style: chr9-35074950-A-G. GRCh37 (hg19) VCF-style: chr9-35074947-A-G.
Other names: short protein forms L538P.
Identifiers: ClinVar variation 4619374 (VCV004619374.1).